The following is an entry in ClinVar:

ClinVar aggregate classification (germline): Conflicting classifications of pathogenicity. Review status: criteria provided, conflicting classifications (1 of 4 stars). 10 submissions from 9 submitters: Uncertain significance (8); Benign (1). 1 of the submissions does not count toward it. Last evaluated 2025-12-01.

Conditions:
Inborn genetic diseases. Identifiers: MedGen C0950123, MeSH D030342.
SYNE1-related disorder. Also called: SYNE1-related disorders; SYNE1-related disease; SYNE1-related condition.
Autosomal recessive ataxia, Beauce type. Also called: Spinocerebellar ataxia, autosomal recessive 8; ATAXIA, RECESSIVE, OF BEAUCE; SYNE1 Deficiency; SYNE1-Related Autosomal Recessive Cerebellar Ataxia. Identifiers: Orphanet 88644, MedGen C1853116, MONDO:0012549, OMIM 610743.
Emery-Dreifuss muscular dystrophy 4, autosomal dominant (EDMD4). Also called: EMERY-DREIFUSS MUSCULAR DYSTROPHY 4 WITH VARIABLE FEATURES. Identifiers: Orphanet 261, MedGen C2751807, MONDO:0013071, OMIM 612998.

Allele frequency attached by ClinVar (database versions not stated): gnomAD 0.00009; gnomAD exomes 0.00013 and 0.00014; TOPMed 0.00014; ExAC 0.00015; ESP Exome Variant Server 0.00015; 1000 Genomes Project 0.00020; 1000 Genomes Project 30x 0.00031.
gnomAD v4.1: 228 of 1,613,848 alleles (0.014%); highest among the groups gnomAD compares: Middle Eastern, 0.066%; no homozygotes.

Submissions (10):

GeneDx
Classification: Uncertain significance. Last evaluated: 2025-12-01. Review status: criteria provided, single submitter. Criteria: GeneDx Variant Classification Process June 2021. Collection method: clinical testing. Allele origin: germline. Affected: yes.
Comment: In silico analysis suggests that this missense variant does not alter protein structure/function; Has not been previously published as pathogenic or benign to our knowledge

Athena Diagnostics
Classification: Uncertain significance. Last evaluated: 2025-02-11. Review status: criteria provided, single submitter. Criteria: Athena Diagnostics Criteria. Collection method: clinical testing. Allele origin: unknown.
Comment: Available data are insufficient to determine the clinical significance of the variant at this time. The frequency of this variant in the general population is uninformative in assessment of its pathogenicity. Polyphen and MutationTaster yielded discordant predictions regarding whether this amino acid change is damaging to the protein.

Labcorp Genetics (formerly Invitae), Labcorp
Classification: Uncertain significance for Emery-Dreifuss muscular dystrophy 4, autosomal dominant; Autosomal recessive ataxia, Beauce type. Last evaluated: 2022-10-18. Review status: criteria provided, single submitter. Criteria: Invitae Variant Classification Sherloc (09022015). Collection method: clinical testing. Allele origin: germline.
Comment: This sequence change replaces arginine, which is basic and polar, with glutamine, which is neutral and polar, at codon 4602 of the SYNE1 protein (p.Arg4602Gln). This variant is present in population databases (rs144963785, gnomAD 0.02%). This missense change has been observed in individual(s) with clinical features of spinocerebellar ataxia (Invitae). ClinVar contains an entry for this variant (Variation ID: 285677). Algorithms developed to predict the effect of missense changes on protein structure and function (SIFT, PolyPhen-2, Align-GVGD) all suggest that this variant is likely to be disruptive. In summary, the available evidence is currently insufficient to determine the role of this variant in disease. Therefore, it has been classified as a Variant of Uncertain Significance.

Genetic Services Laboratory, University of Chicago
Classification: Uncertain significance. Last evaluated: 2021-11-17. Review status: criteria provided, single submitter. Criteria: ACMG Guidelines, 2015. Collection method: clinical testing. Allele origin: germline. Affected: no.
Comment: This sequence change does not appear to have been previously described in individuals with SYNE1-related disorders. This sequence change has been described in the gnomAD database with a frequency of 0.022% in the European subpopulation (non-Finnish) (dbSNP rs144963785). The p.Arg4602Gln change affects a moderately conserved amino acid residue located in a domain of the SYNE1 protein that is known to be functional. In-silico pathogenicity prediction tools (SIFT, PolyPhen2, Align GVGD, REVEL) provide contradictory results for the p.Arg4602Gln substitution. Due to insufficient evidence and the lack of functional studies, the clinical significance of the p.Arg4602Gln change remains unknown at this time.

Ambry Genetics
Classification: Uncertain significance for Inborn genetic diseases. Last evaluated: 2021-07-06. Review status: criteria provided, single submitter. Criteria: Ambry Variant Classification Scheme 2023. Collection method: clinical testing. Allele origin: germline.

Revvity Omics, Revvity
Classification: Uncertain significance. Last evaluated: 2020-10-21. Review status: criteria provided, single submitter. Criteria: ACMG Guidelines, 2015. Collection method: clinical testing. Allele origin: germline.

Eurofins Ntd Llc (ga)
Classification: Uncertain significance. Last evaluated: 2018-04-24. Review status: criteria provided, single submitter. Criteria: EGL ClinVar v180209 classification definitions. Collection method: clinical testing. Allele origin: germline. Observed: 2 variant alleles, 2 heterozygotes.

Illumina Laboratory Services, Illumina
Classification: Uncertain significance for Autosomal recessive ataxia, Beauce type. Last evaluated: 2018-01-13. Review status: criteria provided, single submitter. Criteria: ICSL Variant Classification Criteria 13 December 2019. Collection method: clinical testing. Allele origin: germline.

Illumina Laboratory Services, Illumina
Classification: Benign for Emery-Dreifuss muscular dystrophy 4, autosomal dominant. Last evaluated: 2018-01-13. Review status: criteria provided, single submitter. Criteria: ICSL Variant Classification Criteria 13 December 2019. Collection method: clinical testing. Allele origin: germline.
Comment: This variant was observed in the ICSL laboratory as part of a predisposition screen in an ostensibly healthy population. It had not been previously curated by ICSL or reported in the Human Gene Mutation Database (HGMD: prior to June 1st, 2018), and was therefore a candidate for classification through an automated scoring system. Utilizing variant allele frequency, disease prevalence and penetrance estimates, and inheritance mode, an automated score was calculated to assess if this variant is too frequent to cause the disease. Based on the score and internal cut-off values, a variant classified as benign is not then subjected to further curation. The score for this variant resulted in a classification of benign for this disease.

PreventionGenetics, part of Exact Sciences
Classification: Uncertain significance for SYNE1-related condition. Last evaluated: 2023-11-07. Review status: no assertion criteria provided. Collection method: clinical testing. Allele origin: germline. Not counted in ClinVar's aggregate classification.
Comment: The SYNE1 c.13805G>A variant is predicted to result in the amino acid substitution p.Arg4602Gln. To our knowledge, this variant has not been reported in the literature. This variant is reported in 0.022% of alleles in individuals of European (Non-Finnish) descent in gnomAD. At this time, the clinical significance of this variant is uncertain due to the absence of conclusive functional and genetic evidence.

NM_182961.4(SYNE1):c.14018G>A (p.Arg4673Gln)

Gene: SYNE1 (spectrin repeat containing nuclear envelope protein 1; minus strand). Cytogenetic location: 6q25.2.
Variant type: single nucleotide variant.
Coding change: c.14018G>A on transcript NM_182961.4 (MANE Select); coding-DNA position 14018, G replaced by A.
Protein change: p.Arg4673Gln; replaces arginine 4673 with glutamine.
Molecular consequence: missense variant.
Genome position (GRCh38, 1-based): chr6:152,330,667, C>T on the plus strand (G>A on the coding strand, the complement: SYNE1 is on the minus strand). VCF-style: chr6-152330667-C-T. GRCh37 (hg19) VCF-style: chr6-152651802-C-T.
Other names: c.13805G>A, p.Arg4602Gln (NM_033071.5); short protein forms R4673Q, R4602Q.
Identifiers: ClinVar variation 285677 (VCV000285677.26), dbSNP rs144963785, ClinGen allele CA4056088.